The following is an entry in ClinVar:

NM_176787.5(PIGN):c.1674+1G>C

Gene: PIGN (phosphatidylinositol glycan anchor biosynthesis class N; minus strand). Cytogenetic location: 18q21.33.
Variant type: single nucleotide variant.
Coding change: c.1674+1G>C on transcript NM_176787.5 (MANE Select); the canonical splice donor site of the intron after coding-DNA position 1674, G replaced by C.
Molecular consequence: splice donor variant.
Genome position (GRCh38, 1-based): chr18:62,106,985, C>G on the plus strand (G>C on the coding strand, the complement: PIGN is on the minus strand). VCF-style: chr18-62106985-C-G. GRCh37 (hg19) VCF-style: chr18-59774218-C-G.
Other names: IVS18DS, G-C, +1; c.1674+1G>C (NM_012327.6).
Identifiers: ClinVar variation 264640 (VCV000264640.47), dbSNP rs376355678, ClinGen allele CA8982224.
Genomic context (GRCh38, chr18:62,106,985, plus strand): 5'-AATACTAGTTACAAATATATAAAAGAAATTTGCAAATGTTGTAATCTGGTAAGTTACTTA[C>G]TAATACTTCAATTCCCAGGGTAAAGGCTAACAGGTACCCAACAAAATGGCTCAGAGGATA-3'

ClinVar aggregate classification (germline): Pathogenic. Review status: criteria provided, multiple submitters, no conflicts (2 of 4 stars). 7 submissions from 7 submitters: Pathogenic (6). 1 of the submissions does not count toward it. Last evaluated 2025-11-09.

Conditions:
PIGN-related disorder. Also called: PIGN-related condition.
Multiple congenital anomalies-hypotonia-seizures syndrome 1 (MCAHS1). Also called: GLYCOSYLPHOSPHATIDYLINOSITOL BIOSYNTHESIS DEFECT 3; PIGN-CDG; Congenital disorder of glycosylation due to PIGN deficiency. Identifiers: Orphanet 280633, MedGen C3279775, MONDO:0013563, OMIM 614080.

Allele frequency attached by ClinVar (database versions not stated): gnomAD exomes 0.00002 and 0.00003; TOPMed 0.00003; gnomAD 0.00004; ExAC 0.00008; ESP Exome Variant Server 0.00017.
gnomAD v4.1: 33 of 1,570,796 alleles (0.0021%); highest among the groups gnomAD compares: Non-Finnish European, 0.0025%; no homozygotes.

Submissions (7):

Labcorp Genetics (formerly Invitae), Labcorp
Classification: Pathogenic for Multiple congenital anomalies-hypotonia-seizures syndrome 1. Last evaluated: 2025-11-09. Review status: criteria provided, single submitter. Criteria: Invitae Variant Classification Sherloc (09022015). Collection method: clinical testing. Allele origin: germline.
Comment: This sequence change affects a donor splice site in intron 18 of the PIGN gene. RNA analysis indicates that disruption of this splice site induces altered splicing and may result in an absent or altered protein product. This variant is present in population databases (rs376355678, gnomAD 0.01%). Disruption of this splice site has been observed in individual(s) with clinical features of PIGN-related conditions (PMID: 27038415). In at least one individual the data is consistent with being in trans (on the opposite chromosome) from a pathogenic variant. ClinVar contains an entry for this variant (Variation ID: 264640). Studies have shown that disruption of this splice site results in skipping of exon 18, and produces a non-functional protein and/or introduces a premature termination codon (PMID: 27038415). For these reasons, this variant has been classified as Pathogenic.

Blueprint Genetics
Classification: Pathogenic for PIGN-related disorders. Last evaluated: 2024-04-04. Review status: criteria provided, single submitter. Criteria: ACMG Guidelines, 2015. Collection method: clinical testing. Allele origin: germline. Affected: yes. Observed: 5 variant alleles.

Department of Pathology and Laboratory Medicine, Sinai Health System
Classification: Pathogenic for Multiple congenital anomalies-hypotonia-seizures syndrome 1. Last evaluated: 2023-01-10. Review status: criteria provided, single submitter. Criteria: ACMG Guidelines, 2015. Collection method: research. Allele origin: germline.

Centre of Medical Genetics, University Hospital Muenster
Classification: Pathogenic for Multiple congenital anomalies-hypotonia-seizures syndrome 1. Last evaluated: 2022-03-10. Review status: criteria provided, single submitter. Criteria: ACMG Guidelines, 2015. Collection method: clinical testing. Allele origin: unknown. Affected: yes. Observed: 1 variant allele, 1 heterozygote.
Comment: ACMG categories: PVS1,PM2,PP5

CeGaT Center for Human Genetics Tuebingen
Classification: Pathogenic. Last evaluated: 2022-03-01. Review status: criteria provided, single submitter. Criteria: CeGaT Center For Human Genetics Tuebingen Variant Classification Criteria Version 2. Collection method: clinical testing. Allele origin: germline. Affected: yes. Observed: 1 variant allele.
Comment: PIGN: PVS1, PM2

GeneDx
Classification: Pathogenic. Last evaluated: 2021-11-05. Review status: criteria provided, single submitter. Criteria: GeneDx Variant Classification Process June 2021. Collection method: clinical testing. Allele origin: germline. Affected: yes.
Comment: Reported previously in trans with a nonsense variant in two affected pregnancies from one couple that were diagnosed with Fryns syndrome (McInerney-Leo et al., 2016); Canonical splice site variant predicted to result in a null allele in a gene for which loss-of-function is a known mechanism of disease; Not observed at significant frequency in large population cohorts (Lek et al., 2016); This variant is associated with the following publications: (PMID: 27038415)

OMIM
Classification: Pathogenic for MULTIPLE CONGENITAL ANOMALIES-HYPOTONIA-SEIZURES SYNDROME 1. Last evaluated: 2016-09-28. Review status: no assertion criteria provided. Collection method: literature only. Allele origin: germline. Not counted in ClinVar's aggregate classification.

Literature cited by the submitters: PubMed 27038415 (cited by Labcorp Genetics (formerly Invitae), Labcorp and OMIM).